The following is an entry in ClinVar:

NM_001378454.1(ALMS1):c.11420_11424del (p.Lys3807fs)

Gene: ALMS1 (ALMS1 centrosome and basal body associated protein; plus strand). Cytogenetic location: 2p13.1.
Variant type: Microsatellite.
Coding change: c.11420_11424del on transcript NM_001378454.1 (MANE Select); coding-DNA positions 11420 to 11424, 5 bases deleted (AATTA; older notation c.11420_11424delAATTA).
Protein change: p.Lys3807fs; shifts the reading frame from lysine 3807.
Molecular consequence: frameshift variant.
Genome position (GRCh38, 1-based): chr2:73,573,297-73,573,301, AATTA deleted; deleting any 5 consecutive bases within chr2:73,573,292-73,573,301 gives the same sequence; the c. name uses the placement nearest the transcript's 3' end. VCF-style (leftmost placement, unchanged base first): chr2-73573291-GAATTA-G. GRCh37 (hg19) VCF-style: chr2-73800418-GAATTA-G.
Other names: c.11423_11427delAATTA (NM_015120.4); c.11423_11427del, p.Lys3808fs (NM_015120.4); short protein forms K3808fs, K3807fs.
Identifiers: ClinVar variation 459849 (VCV000459849.7), dbSNP rs1553418609, ClinGen allele CA534125075.
Genomic context (GRCh38, chr2:73,573,291, plus strand): 5'-TTGACACTGCCCGGCTGATTCAAGCTTTTGGCCATGAAAGAGTATGCTTGTCACCCAGAC[GAATTA>G]AATTATATAGCAGCATCACCAACCAACAGAGGAGATACCTTGAGAAGCGGAGCAAACACA-3'

ClinVar aggregate classification (germline): Pathogenic/Likely pathogenic. Review status: criteria provided, multiple submitters, no conflicts (2 of 4 stars). 2 submissions from 2 submitters: Pathogenic (1); Likely pathogenic (1). Last evaluated 2025-01-23.

Conditions:
Alstrom syndrome (ALMS). Identifiers: Orphanet 64, MedGen C0268425, MONDO:0008763, OMIM 203800.

Submissions (2):

Labcorp Genetics (formerly Invitae), Labcorp
Classification: Pathogenic for Alstrom syndrome. Last evaluated: 2025-01-23. Review status: criteria provided, single submitter. Criteria: Invitae Variant Classification Sherloc (09022015). Collection method: clinical testing. Allele origin: germline.
Comment: This sequence change creates a premature translational stop signal (p.Lys3808Ilefs*2) in the ALMS1 gene. It is expected to result in an absent or disrupted protein product. Loss-of-function variants in ALMS1 are known to be pathogenic (PMID: 17594715). This variant is present in population databases (no rsID available, gnomAD 0.0009%). This variant has not been reported in the literature in individuals affected with ALMS1-related conditions. ClinVar contains an entry for this variant (Variation ID: 459849). For these reasons, this variant has been classified as Pathogenic.

Natera, Inc.
Classification: Likely pathogenic for Alstrom syndrome. Last evaluated: 2024-10-16. Review status: criteria provided, single submitter. Criteria: Natera Variant Classification Schema (03/2026). Collection method: clinical testing. Allele origin: germline.
Comment: The c.11423_11427delAATTA variant in ALMS1 is a frameshift variant predicted to shift the reading frame beginning at codon 3808 and leads to a stop codon 2 codons downstream. This variant is expected to result in nonsense mediated decay, truncation, or a dysfunctional protein product. This variant is rare in the general population with a frequency below the threshold expected for the associated phenotype(s). Given the available evidence, this variant is classified as Likely Pathogenic.

Literature cited by the submitters: PubMed 17594715 (cited by Labcorp Genetics (formerly Invitae), Labcorp).